The following is an entry in ClinVar:

ClinVar aggregate classification (germline): Benign/Likely benign. Review status: criteria provided, multiple submitters, no conflicts (2 of 4 stars). 11 submissions from 10 submitters: Benign (7); Likely benign (3). 1 of the submissions does not count toward it. Last evaluated 2026-09-01.

Conditions:
RYR1-related disorder. Also called: RYR1-related disorders; RYR1-related condition. Identifiers: MedGen CN239331.
Congenital multicore myopathy with external ophthalmoplegia (CMYO1B). Also called: Congenital myopathy 1B, autosomal recessive; Minicore myopathy; MULTICORE MYOPATHY; MULTIMINICORE DISEASE WITH EXTERNAL OPHTHALMOPLEGIA; Minicore myopathy with external ophthalmoplegia. Identifiers: Orphanet 598, Orphanet 98905, MedGen C1850674, MONDO:0009712, OMIM 255320, HP:0003789.
Malignant hyperthermia, susceptibility to, 1 (MHS1). Also called: Malignant hyperthermia suceptibility 1; Anesthesia related hyperthermia; Malignant hyperpyrexia; Fulminating hyperpyrexia; Pharmacogenic myopathy; RYR1-Related Malignant Hyperthermia Susceptibility. Identifiers: Orphanet 423, MedGen C2930980, MONDO:0007783, OMIM 145600.

Allele frequency attached by ClinVar (database versions not stated): gnomAD exomes 0.00091; ExAC 0.00119; gnomAD 0.00329 and 0.00351; ESP Exome Variant Server 0.00346; TOPMed 0.00393; 1000 Genomes Project 30x 0.00437; 1000 Genomes Project 0.00459.
gnomAD v4.1: 1,046 of 1,613,208 alleles (0.065%); highest among the groups gnomAD compares: African/African-American, 1.1%; 5 homozygotes.

Submissions (11):

CeGaT Center for Human Genetics Tuebingen
Classification: Likely benign. Last evaluated: 2026-09-01. Review status: criteria provided, single submitter. Criteria: CeGaT Center For Human Genetics Tuebingen Variant Classification Criteria Version 2. Collection method: clinical testing. Allele origin: germline. Affected: yes. Observed: 5 variant alleles.
Comment: RYR1: BP4, BP7, BS1

Labcorp Genetics (formerly Invitae), Labcorp
Classification: Benign for RYR1-related disorder. Last evaluated: 2026-02-02. Review status: criteria provided, single submitter. Criteria: Invitae Variant Classification Sherloc (09022015). Collection method: clinical testing. Allele origin: germline.

Blueprint Genetics
Classification: Likely benign. Last evaluated: 2024-10-29. Review status: criteria provided, single submitter. Criteria: ACMG Guidelines, 2015. Collection method: clinical testing. Allele origin: germline.

Mayo Clinic Laboratories, Mayo Clinic
Classification: Benign. Last evaluated: 2024-07-01. Review status: criteria provided, single submitter. Criteria: ACMG Guidelines, 2015. Collection method: clinical testing. Allele origin: germline. Observed: 6 variant alleles.
Comment: BS1, BS2, BP4, BP7

Color Diagnostics, LLC DBA Color Health
Classification: Benign for Malignant hyperthermia, susceptibility to, 1. Last evaluated: 2022-11-06. Review status: criteria provided, single submitter. Criteria: ACMG Guidelines, 2015. Collection method: clinical testing. Allele origin: germline.

PreventionGenetics, part of Exact Sciences
Classification: Benign. Last evaluated: 2018-03-13. Review status: criteria provided, single submitter. Criteria: ACMG Guidelines, 2015. Collection method: clinical testing. Allele origin: germline.

Illumina Laboratory Services, Illumina
Classification: Benign for Malignant hyperthermia, susceptibility to, 1. Last evaluated: 2018-01-13. Review status: criteria provided, single submitter. Criteria: ICSL Variant Classification Criteria 13 December 2019. Collection method: clinical testing. Allele origin: germline.
Comment: This variant was observed in the ICSL laboratory as part of a predisposition screen in an ostensibly healthy population. It had not been previously curated by ICSL or reported in the Human Gene Mutation Database (HGMD: prior to June 1st, 2018), and was therefore a candidate for classification through an automated scoring system. Utilizing variant allele frequency, disease prevalence and penetrance estimates, and inheritance mode, an automated score was calculated to assess if this variant is too frequent to cause the disease. Based on the score and internal cut-off values, a variant classified as benign is not then subjected to further curation. The score for this variant resulted in a classification of benign for this disease.

Illumina Laboratory Services, Illumina
Classification: Benign for Congenital multicore myopathy with external ophthalmoplegia. Last evaluated: 2018-01-13. Review status: criteria provided, single submitter. Criteria: ICSL Variant Classification Criteria 13 December 2019. Collection method: clinical testing. Allele origin: germline.
Comment: the same text as in the submission from Illumina Laboratory Services, Illumina above.

GeneDx
Classification: Likely benign. Last evaluated: 2018-01-03. Review status: criteria provided, single submitter. Criteria: GeneDx Variant Classification (06012015). Collection method: clinical testing. Allele origin: germline. Affected: yes.
Comment: This variant is considered likely benign or benign based on one or more of the following criteria: it is a conservative change, it occurs at a poorly conserved position in the protein, it is predicted to be benign by multiple in silico algorithms, and/or has population frequency not consistent with disease.

Eurofins Ntd Llc (ga)
Classification: Benign. Last evaluated: 2014-07-10. Review status: criteria provided, single submitter. Criteria: EGL Classification Definitions 2015. Collection method: clinical testing. Allele origin: germline. Observed: 1 variant allele, 1 heterozygote.

RYR1 database
No classification provided. Review status: no classification provided. Collection method: not provided. Allele origin: unknown. Not counted in ClinVar's aggregate classification.

NM_000540.3(RYR1):c.3042G>A (p.Ala1014=)

Gene: RYR1 (ryanodine receptor 1; plus strand). Cytogenetic location: 19q13.2.
Variant type: single nucleotide variant.
Coding change: c.3042G>A on transcript NM_000540.3 (MANE Select); coding-DNA position 3042, G replaced by A.
Protein change: p.Ala1014=; no amino-acid change (alanine 1014 retained).
Molecular consequence: synonymous variant.
Genome position (GRCh38, 1-based): chr19:38,466,262, G>A. VCF-style: chr19-38466262-G-A. GRCh37 (hg19) VCF-style: chr19-38956902-G-A.
Other names: p.Ala1014=; c.3042G>A, p.Ala1014= (NM_001042723.2).
Identifiers: ClinVar variation 133123 (VCV000133123.52), dbSNP rs2228074, ClinGen allele CA024386.